The following is an entry in ClinVar:

ClinVar aggregate classification (germline): Likely pathogenic (1 of 4 stars; one submission).

Conditions:
RYR1-related myopathy. Identifiers: Orphanet 98742, MedGen CN305348, MONDO:0100150.

Submission:

Muscle and Diseases Team, Institut de Génétique et Biologie Moléculaire et Cellulaire
Classification: Likely pathogenic for RYR1-related myopathy. Last evaluated: 2024-03-01. Review status: criteria provided, single submitter. Criteria: ACMG Guidelines, 2015. Collection method: research. Allele origin: maternal. Affected: yes. Observed: 1 variant allele.
Comment: PVS1+PM2

Literature cited by the submitters: DOI 10.1186/s13073-024-01353-0.

NM_000540.3(RYR1):c.2361-1G>A

Gene: RYR1 (ryanodine receptor 1; plus strand). Cytogenetic location: 19q13.2.
Variant type: single nucleotide variant.
Coding change: c.2361-1G>A on transcript NM_000540.3 (MANE Select); the canonical splice acceptor site of the intron before coding-DNA position 2361, G replaced by A.
Molecular consequence: splice acceptor variant.
Genome position (GRCh38, 1-based): chr19:38,460,374, G>A. VCF-style: chr19-38460374-G-A. GRCh37 (hg19) VCF-style: chr19-38951014-G-A.
Other names: c.2361-1G>A (NM_001042723.2).
Identifiers: ClinVar variation 3233278 (VCV003233278.2), dbSNP rs113379223.